The following is an entry in ClinVar:

NM_005378.6(MYCN):c.403C>T (p.Gln135Ter)

Gene: MYCN (MYCN proto-oncogene, bHLH transcription factor; plus strand). Cytogenetic location: 2p24.3.
Variant type: single nucleotide variant.
Coding change: c.403C>T on transcript NM_005378.6 (MANE Select); coding-DNA position 403, C replaced by T.
Protein change: p.Gln135Ter; replaces glutamine 135 with a stop codon.
Molecular consequence: nonsense. On other transcripts: 3 prime UTR variant (1), intron variant (1).
Genome position (GRCh38, 1-based): chr2:15,942,467, C>T. VCF-style: chr2-15942467-C-T. GRCh37 (hg19) VCF-style: chr2-16082589-C-T.
Other names: c.403C>T, p.Gln135Ter (NM_001293228.2); c.*338C>T (NM_001293233.2); c.157+1724C>T (NM_001293231.2); c.403C>T (NM_005378.4); short protein forms Q135*.
Identifiers: ClinVar variation 1710469 (VCV001710469.4), dbSNP rs2103324867, ClinGen allele CA345930813.
Genomic context (GRCh38, chr2:15,942,467, plus strand): 5'-TGCATGTGGAGCGGCTTCTCCGCCCGCGAGAAGCTGGAGCGCGCCGTGAGCGAGAAGCTG[C>T]AGCACGGCCGCGGGCCGCCAACCGCCGGTTCCACCGCCCAGTCCCCGGGAGCCGGCGCCG-3'

ClinVar aggregate classification (germline): Pathogenic/Likely pathogenic. Review status: criteria provided, multiple submitters, no conflicts (2 of 4 stars). 2 submissions from 2 submitters: Pathogenic (1); Likely pathogenic (1). Last evaluated 2025-07-09.

Conditions:
Feingold syndrome type 1 (FGLDS1). Also called: MICROCEPHALY, MENTAL RETARDATION, AND TRACHEOESOPHAGEAL FISTULA SYNDROME; MICROCEPHALY-OCULO-DIGITO-ESOPHAGEAL-DUODENAL SYNDROME; OCULODIGITOESOPHAGODUODENAL SYNDROME; ODED SYNDROME; MICROCEPHALY AND DIGITAL ABNORMALITIES WITH NORMAL INTELLIGENCE. Identifiers: Orphanet 1305, Orphanet 391641, MedGen C4551774, MONDO:0008115, OMIM 164280.

Submissions (2):

GeneDx
Classification: Pathogenic. Last evaluated: 2025-07-09. Review status: criteria provided, single submitter. Criteria: GeneDx Variant Classification Process June 2021. Collection method: clinical testing. Allele origin: germline. Affected: yes.
Comment: Nonsense variant predicted to result in protein truncation or nonsense mediated decay in a gene for which loss of function is a known mechanism of disease; Not observed at significant frequency in large population cohorts (gnomAD); Has not been previously published as pathogenic or benign to our knowledge

Greenwood Genetic Center Diagnostic Laboratories, Greenwood Genetic Center
Classification: Likely pathogenic for Feingold syndrome type 1. Last evaluated: 2022-07-29. Review status: criteria provided, single submitter. Criteria: ACMG Guidelines, 2015. Collection method: clinical testing. Allele origin: germline. Affected: yes.
Comment: PVS1, PM2